The following is an entry in ClinVar:

ClinVar aggregate classification (germline): Uncertain significance (1 of 4 stars; one submission).

gnomAD v4.1: 4 of 1,614,164 alleles (0.00025%); highest among the groups gnomAD compares: Admixed American, 0.0017%; no homozygotes.

Submission:

Labcorp Genetics (formerly Invitae), Labcorp
Classification: Uncertain significance. Last evaluated: 2024-11-28. Review status: criteria provided, single submitter. Criteria: Invitae Variant Classification Sherloc (09022015). Collection method: clinical testing. Allele origin: germline.
Comment: This sequence change replaces threonine, which is neutral and polar, with isoleucine, which is neutral and non-polar, at codon 2897 of the FAT2 protein (p.Thr2897Ile). This variant is present in population databases (no rsID available, gnomAD 0.003%). This variant has not been reported in the literature in individuals affected with FAT2-related conditions. Invitae Evidence Modeling of protein sequence and biophysical properties (such as structural, functional, and spatial information, amino acid conservation, physicochemical variation, residue mobility, and thermodynamic stability) indicates that this missense variant is not expected to disrupt FAT2 protein function with a negative predictive value of 80%. In summary, the available evidence is currently insufficient to determine the role of this variant in disease. Therefore, it has been classified as a Variant of Uncertain Significance.

NM_001447.3(FAT2):c.8690C>T (p.Thr2897Ile)

Genes: FAT2 (FAT atypical cadherin 2; minus strand), SLC36A1 (solute carrier family 36 member 1; plus strand). Cytogenetic location: 5q33.1.
Variant type: single nucleotide variant.
Coding change: c.8690C>T on transcript NM_001447.3 (MANE Select); coding-DNA position 8690, C replaced by T.
Protein change: p.Thr2897Ile; replaces threonine 2897 with isoleucine.
Molecular consequence: missense variant.
Genome position (GRCh38, 1-based): chr5:151,542,437, G>A on the plus strand (C>T on the coding strand, the complement: FAT2 is on the minus strand). VCF-style: chr5-151542437-G-A. GRCh37 (hg19) VCF-style: chr5-150921998-G-A.
Other names: short protein forms T2897I.
Identifiers: ClinVar variation 3655867 (VCV003655867.2).